The following is an entry in ClinVar:

NM_144687.4(NLRP12):c.3176T>C (p.Ile1059Thr)

Gene: NLRP12 (NLR family pyrin domain containing 12; minus strand). Cytogenetic location: 19q13.42.
Variant type: single nucleotide variant.
Coding change: c.3176T>C on transcript NM_144687.4 (MANE Select); coding-DNA position 3176, T replaced by C.
Protein change: p.Ile1059Thr; replaces isoleucine 1059 with threonine.
Molecular consequence: missense variant.
Genome position (GRCh38, 1-based): chr19:53,794,059, A>G on the plus strand (T>C on the coding strand, the complement: NLRP12 is on the minus strand). VCF-style: chr19-53794059-A-G. GRCh37 (hg19) VCF-style: chr19-54297313-A-G.
Other names: c.3179T>C, p.Ile1060Thr (NM_001277126.2); c.3005T>C, p.Ile1002Thr (NM_001277129.1); short protein forms I1002T, I1059T, I1060T.
Identifiers: ClinVar variation 2630026 (VCV002630026.1), dbSNP rs2514195317, ClinGen allele CA407407151.

ClinVar aggregate classification (germline): Uncertain significance (1 of 4 stars; one submission).

Conditions:
NLRP12-related disorder. Also called: NLRP12-related condition; NLRP12-related conditions.

Allele frequency attached by ClinVar (database versions not stated): gnomAD exomes below 0.00001.
gnomAD v4.1: 1 of 1,612,948 alleles (0.000062%); highest among the groups gnomAD compares: Non-Finnish European, 0.000085%; no homozygotes.

Submission:

PreventionGenetics, part of Exact Sciences
Classification: Uncertain significance for NLRP12-related condition. Last evaluated: 2023-01-03. Review status: criteria provided, single submitter. Criteria: ACMG Guidelines, 2015. Collection method: clinical testing. Allele origin: germline.
Comment: The NLRP12 c.3176T>C variant is predicted to result in the amino acid substitution p.Ile1059Thr. To our knowledge, this variant has not been reported in the literature or in a large population database, indicating this variant is rare. At this time, the clinical significance of this variant is uncertain due to the absence of conclusive functional and genetic evidence.